The following is an entry in ClinVar:

NM_000541.5(SAG):c.380C>G (p.Pro127Arg)

Gene: SAG (S-antigen visual arrestin; plus strand). Cytogenetic location: 2q37.1.
Variant type: single nucleotide variant.
Coding change: c.380C>G on transcript NM_000541.5 (MANE Select); coding-DNA position 380, C replaced by G.
Protein change: p.Pro127Arg; replaces proline 127 with arginine.
Molecular consequence: missense variant.
Genome position (GRCh38, 1-based): chr2:233,322,950, C>G. VCF-style: chr2-233322950-C-G. GRCh37 (hg19) VCF-style: chr2-234231596-C-G.
Other names: short protein forms P127R.
Identifiers: ClinVar variation 1390306 (VCV001390306.7), dbSNP rs1461391995, ClinGen allele CA351046734.

ClinVar aggregate classification (germline): Uncertain significance. Review status: criteria provided, multiple submitters, no conflicts (2 of 4 stars). 2 submissions from 2 submitters: Uncertain significance (2). Last evaluated 2023-02-21.

Allele frequency attached by ClinVar (database versions not stated): gnomAD 0.00001; TOPMed 0.00001; gnomAD exomes 0.00004.
gnomAD v4.1: 62 of 1,563,782 alleles (0.004%); highest among the groups gnomAD compares: Non-Finnish European, 0.0054%; no homozygotes.

Submissions (2):

Labcorp Genetics (formerly Invitae), Labcorp
Classification: Uncertain significance. Last evaluated: 2023-02-21. Review status: criteria provided, single submitter. Criteria: Invitae Variant Classification Sherloc (09022015). Collection method: clinical testing. Allele origin: germline.
Comment: ClinVar contains an entry for this variant (Variation ID: 1390306). This variant has not been reported in the literature in individuals affected with SAG-related conditions. This variant is not present in population databases (gnomAD no frequency). This sequence change replaces proline, which is neutral and non-polar, with arginine, which is basic and polar, at codon 127 of the SAG protein (p.Pro127Arg). Advanced modeling of protein sequence and biophysical properties (such as structural, functional, and spatial information, amino acid conservation, physicochemical variation, residue mobility, and thermodynamic stability) has been performed at Invitae for this missense variant, however the output from this modeling did not meet the statistical confidence thresholds required to predict the impact of this variant on SAG protein function. In summary, the available evidence is currently insufficient to determine the role of this variant in disease. Therefore, it has been classified as a Variant of Uncertain Significance.

Blueprint Genetics
Classification: Uncertain significance. Last evaluated: 2020-02-11. Review status: criteria provided, single submitter. Criteria: ACMG Guidelines, 2015. Collection method: clinical testing. Allele origin: germline.